The following is an entry in ClinVar:

ClinVar aggregate classification (germline): Benign/Likely benign. Review status: criteria provided, multiple submitters, no conflicts (2 of 4 stars). 4 submissions from 4 submitters: Benign (1); Likely benign (3). Last evaluated 2025-08-08.

Conditions:
Familial sleep-related hypermotor epilepsy. Also called: Autosomal Dominant Sleep-Related Hypermotor (Hyperkinetic) Epilepsy. Identifiers: Orphanet 98784, MedGen C3696898, MONDO:0000030.

Allele frequency attached by ClinVar (database versions not stated): gnomAD 0.00084 and 0.00087; gnomAD exomes 0.00097 and 0.00044; TOPMed 0.00004; ESP Exome Variant Server 0.00008; ExAC 0.00107; 1000 Genomes Project 30x 0.00062; 1000 Genomes Project 0.00080.
gnomAD v4.1: 776 of 1,607,514 alleles (0.048%); highest among the groups gnomAD compares: Non-Finnish European, 0.0034%; 7 homozygotes.

Submissions (4):

Labcorp Genetics (formerly Invitae), Labcorp
Classification: Benign. Last evaluated: 2025-08-08. Review status: criteria provided, single submitter. Criteria: Invitae Variant Classification Sherloc (09022015). Collection method: clinical testing. Allele origin: germline.

Blueprint Genetics
Classification: Likely benign. Last evaluated: 2024-11-21. Review status: criteria provided, single submitter. Criteria: ACMG Guidelines, 2015. Collection method: clinical testing. Allele origin: germline.

ARUP Laboratories, Molecular Genetics and Genomics, ARUP Laboratories
Classification: Likely benign. Last evaluated: 2024-04-08. Review status: criteria provided, single submitter. Criteria: ARUP Molecular Germline Variant Investigation Process 2024. Collection method: clinical testing. Allele origin: germline.

GeneDx
Classification: Likely benign. Last evaluated: 2017-02-20. Review status: criteria provided, single submitter. Criteria: GeneDx Variant Classification (06012015). Collection method: clinical testing. Allele origin: germline. Affected: yes.
Comment: This variant is considered likely benign or benign based on one or more of the following criteria: it is a conservative change, it occurs at a poorly conserved position in the protein, it is predicted to be benign by multiple in silico algorithms, and/or has population frequency not consistent with disease.

NM_000744.7(CHRNA4):c.384-18C>T

Gene: CHRNA4 (cholinergic receptor nicotinic alpha 4 subunit; minus strand). Cytogenetic location: 20q13.33.
Variant type: single nucleotide variant.
Coding change: c.384-18C>T on transcript NM_000744.7 (MANE Select); 18 bases into the intron before coding-DNA position 384, C replaced by T.
Molecular consequence: intron variant.
Genome position (GRCh38, 1-based): chr20:63,351,045, G>A on the plus strand (C>T on the coding strand, the complement: CHRNA4 is on the minus strand). VCF-style: chr20-63351045-G-A. GRCh37 (hg19) VCF-style: chr20-61982397-G-A.
Other names: c.-145-18C>T (NM_001256573.2).
Identifiers: ClinVar variation 507499 (VCV000507499.8), dbSNP rs200407438, ClinGen allele CA9957816.
Genomic context (GRCh38, chr20:63,351,045, plus strand): 5'-GTGGGCCTTGGTCAGGTGGGTGACCGCGAAGTCCCCGTCAGCACTGGGCAGGAAGAGAGC[G>A]AAGGGTGTGAGACCCCCACATCCATGCCCACGTCCACACCCACGCCCACTGCCACACCCA-3'